The following is an entry in ClinVar:

ClinVar aggregate classification (germline): Pathogenic (1 of 4 stars; one submission).

Conditions:
Inborn genetic diseases. Identifiers: MedGen C0950123, MeSH D030342.

Submission:

Ambry Genetics
Classification: Pathogenic for Inborn genetic diseases. Last evaluated: 2022-03-24. Review status: criteria provided, single submitter. Criteria: Ambry Variant Classification Scheme 2023. Collection method: clinical testing. Allele origin: germline.
Comment: The c.814_817dupGAAA (p.M273Rfs*5) alteration, located in exon 7 (coding exon 7) of the KDM5B gene, consists of a duplication of GAAA at position 814, causing a translational frameshift with a predicted alternate stop codon after 5 amino acids. This alteration is expected to result in loss of function by premature protein truncation or nonsense-mediated mRNA decay. Although biallelic loss of function alterations in KDM5B have been associated with autosomal recessive KDM5B-related neurodevelopmental disorder, haploinsufficiency for KDM5B has not been clearly established as a mechanism of disease for autosomal dominant KDM5B-related neurodevelopmental disorder. Based on the available evidence, the c.814_817dupGAAA (p.M273Rfs*5) alteration is classified as pathogenic for autosomal recessive KDM5B-related neurodevelopmental disorder; however, its clinical significance for autosomal dominant KDM5B-related neurodevelopmental disorder is unclear. This variant was not reported in population-based cohorts in the Genome Aggregation Database (gnomAD). Based on the available evidence, this alteration is classified as pathogenic.

NM_006618.5(KDM5B):c.814_817dup (p.Met273fs)

Gene: KDM5B (lysine demethylase 5B; minus strand). Cytogenetic location: 1q32.1.
Variant type: Microsatellite.
Coding change: c.814_817dup on transcript NM_006618.5 (MANE Select); coding-DNA positions 814 to 817, 4 bases duplicated (GAAA; older notation c.814_817dupGAAA).
Protein change: p.Met273fs; shifts the reading frame from methionine 273.
Molecular consequence: frameshift variant.
Genome position (GRCh38, 1-based): chr1:202,762,800-202,762,803, TTTC duplicated on the plus strand (GAAA on the coding strand, the reverse complement: KDM5B is on the minus strand); duplicating any 4 consecutive bases within chr1:202,762,800-202,762,808 gives the same sequence; the c. name uses the placement nearest the transcript's 3' end. VCF-style (leftmost placement, unchanged base first): chr1-202762799-A-ATTTC. GRCh37 (hg19) VCF-style: chr1-202731927-A-ATTTC.
Other names: c.922_925dup, p.Met309fs (NM_001314042.2); c.679_682dup, p.Met228fs (NM_001347591.2); c.799_802dup, p.Met268fs (NM_001399817.1); short protein forms M273fs, M309fs, M228fs, M268fs.
Identifiers: ClinVar variation 2269169 (VCV002269169.2), dbSNP rs2527576538, ClinGen allele CA2580611532.